The following is an entry in ClinVar:

NM_003803.4(MYOM1):c.3778G>T (p.Val1260Phe)

Gene: MYOM1 (myomesin 1; minus strand). Cytogenetic location: 18p11.31.
Variant type: single nucleotide variant.
Coding change: c.3778G>T on transcript NM_003803.4 (MANE Select); coding-DNA position 3778, G replaced by T.
Protein change: p.Val1260Phe; replaces valine 1260 with phenylalanine.
Molecular consequence: missense variant.
Genome position (GRCh38, 1-based): chr18:3,094,256, C>A on the plus strand (G>T on the coding strand, the complement: MYOM1 is on the minus strand). VCF-style: chr18-3094256-C-A. GRCh37 (hg19) VCF-style: chr18-3094254-C-A.
Other names: c.3490G>T, p.Val1164Phe (NM_019856.2); short protein forms V1164F, V1260F.
Identifiers: ClinVar variation 1734815 (VCV001734815.7), dbSNP rs759461350, ClinGen allele CA8874166.

ClinVar aggregate classification (germline): Uncertain significance. Review status: criteria provided, multiple submitters, no conflicts (2 of 4 stars). 2 submissions from 2 submitters: Uncertain significance (2). Last evaluated 2024-10-02.

Conditions:
Hypertrophic cardiomyopathy. Also called: HYPERTROPHIC MYOCARDIOPATHY. Identifiers: Orphanet 217569, MedGen C0007194, MeSH D002312, MONDO:0005045, HP:0001639.

Allele frequency attached by ClinVar (database versions not stated): TOPMed below 0.00001; gnomAD exomes 0.00001; ExAC 0.00003.
gnomAD v4.1: 8 of 1,613,870 alleles (0.0005%); highest among the groups gnomAD compares: Non-Finnish European, 0.00068%; no homozygotes.

Submissions (2):

Labcorp Genetics (formerly Invitae), Labcorp
Classification: Uncertain significance for Hypertrophic cardiomyopathy. Last evaluated: 2024-10-02. Review status: criteria provided, single submitter. Criteria: Invitae Variant Classification Sherloc (09022015). Collection method: clinical testing. Allele origin: germline.
Comment: This sequence change replaces valine, which is neutral and non-polar, with phenylalanine, which is neutral and non-polar, at codon 1260 of the MYOM1 protein (p.Val1260Phe). This variant is present in population databases (rs759461350, gnomAD 0.004%). This variant has not been reported in the literature in individuals affected with MYOM1-related conditions. ClinVar contains an entry for this variant (Variation ID: 1734815). Invitae Evidence Modeling of protein sequence and biophysical properties (such as structural, functional, and spatial information, amino acid conservation, physicochemical variation, residue mobility, and thermodynamic stability) has been performed for this missense variant. However, the output from this modeling did not meet the statistical confidence thresholds required to predict the impact of this variant on MYOM1 protein function. In summary, the available evidence is currently insufficient to determine the role of this variant in disease. Therefore, it has been classified as a Variant of Uncertain Significance.

Ambry Genetics
Classification: Uncertain significance. Last evaluated: 2022-06-09. Review status: criteria provided, single submitter. Criteria: Ambry Variant Classification Scheme 2023. Collection method: clinical testing. Allele origin: germline.
Comment: The p.V1260F variant (also known as c.3778G>T), located in coding exon 25 of the MYOM1 gene, results from a G to T substitution at nucleotide position 3778. The valine at codon 1260 is replaced by phenylalanine, an amino acid with highly similar properties. This amino acid position is conserved. In addition, the in silico prediction for this alteration is inconclusive. Since supporting evidence is limited at this time, the clinical significance of this alteration remains unclear.